The following is an entry in ClinVar:

ClinVar aggregate classification (germline): Uncertain significance. Review status: criteria provided, multiple submitters, no conflicts (2 of 4 stars). 3 submissions from 3 submitters: Uncertain significance (3). Last evaluated 2026-01-08.

Conditions:
Hereditary cancer-predisposing syndrome. Also called: Neoplastic Syndromes, Hereditary; Tumor predisposition; Hereditary neoplastic syndrome; Hereditary Cancer Syndrome. Identifiers: Orphanet 140162, MedGen C0027672, MeSH D009386, MONDO:0015356.

Allele frequency attached by ClinVar (database versions not stated): gnomAD exomes below 0.00001.

Submissions (3):

Labcorp Genetics (formerly Invitae), Labcorp
Classification: Uncertain significance. Last evaluated: 2026-01-08. Review status: criteria provided, single submitter. Criteria: Invitae Variant Classification Sherloc (09022015). Collection method: clinical testing. Allele origin: germline.
Comment: This sequence change replaces cysteine, which is neutral and slightly polar, with phenylalanine, which is neutral and non-polar, at codon 184 of the HOXB13 protein (p.Cys184Phe). This variant is present in population databases (no rsID available, gnomAD 0.0009%). This variant has not been reported in the literature in individuals affected with HOXB13-related conditions. ClinVar contains an entry for this variant (Variation ID: 825801). Invitae Evidence Modeling of protein sequence and biophysical properties (such as structural, functional, and spatial information, amino acid conservation, physicochemical variation, residue mobility, and thermodynamic stability) indicates that this missense variant is not expected to disrupt HOXB13 protein function with a negative predictive value of 80%. In summary, the available evidence is currently insufficient to determine the role of this variant in disease. Therefore, it has been classified as a Variant of Uncertain Significance.

Ambry Genetics
Classification: Uncertain significance for Hereditary cancer-predisposing syndrome. Last evaluated: 2025-04-16. Review status: criteria provided, single submitter. Criteria: Ambry Variant Classification Scheme 2023. Collection method: clinical testing. Allele origin: germline.
Comment: The p.C184F variant (also known as c.551G>T), located in coding exon 1 of the HOXB13 gene, results from a G to T substitution at nucleotide position 551. The cysteine at codon 184 is replaced by phenylalanine, an amino acid with highly dissimilar properties. This amino acid position is highly conserved in available vertebrate species. In addition, this alteration is predicted to be deleterious by in silico analysis. Based on the available evidence, the clinical significance of this variant remains unclear.

GeneDx
Classification: Uncertain significance. Last evaluated: 2022-10-27. Review status: criteria provided, single submitter. Criteria: GeneDx Variant Classification Process June 2021. Collection method: clinical testing. Allele origin: germline. Affected: yes.
Comment: Not observed at significant frequency in large population cohorts (gnomAD); In silico analysis supports that this missense variant has a deleterious effect on protein structure/function; Has not been previously published as pathogenic or benign to our knowledge; This variant is associated with the following publications: (PMID: 19389631)

NM_006361.6(HOXB13):c.551G>T (p.Cys184Phe)

Gene: HOXB13 (homeobox B13; minus strand). Cytogenetic location: 17q21.32.
Variant type: single nucleotide variant.
Coding change: c.551G>T on transcript NM_006361.6 (MANE Select); coding-DNA position 551, G replaced by T.
Protein change: p.Cys184Phe; replaces cysteine 184 with phenylalanine.
Molecular consequence: missense variant.
Genome position (GRCh38, 1-based): chr17:48,728,043, C>A on the plus strand (G>T on the coding strand, the complement: HOXB13 is on the minus strand). VCF-style: chr17-48728043-C-A. GRCh37 (hg19) VCF-style: chr17-46805405-C-A.
Other names: short protein forms C184F.
Identifiers: ClinVar variation 825801 (VCV000825801.14), dbSNP rs1185239661, ClinGen allele CA400107205.
Genomic context (GRCh38, chr17:48,728,043, plus strand): 5'-ATAGAGGTACCTGCAAATGCTGCCTTCCAAAAGGGACCTGGTGGGTTCTGTTCTCCCTGG[C>A]AACACATCTGGCTGTTCCAGCCACCAGCGAGAGCCCAAGACTGGTAACTGTCCACAGGCA-3'
Protein context (NP_006352.2, residues 174-194): LAGGWNSQMC[Cys184Phe]QGEQNPPGPF